The following is an entry in ClinVar:

ClinVar aggregate classification (germline): Likely benign (0 of 4 stars; one submission).

Conditions:
TTC8-related disorder. Also called: TTC8-related condition.

Allele frequency attached by ClinVar (database versions not stated): gnomAD exomes 0.00001; TOPMed 0.00002.
gnomAD v4.1: 9 of 1,613,594 alleles (0.00056%); highest among the groups gnomAD compares: Non-Finnish European, 0.00076%; no homozygotes.

Submission:

PreventionGenetics, part of Exact Sciences
Classification: Likely benign for TTC8-related condition. Last evaluated: 2023-04-11. Review status: no assertion criteria provided. Collection method: clinical testing. Allele origin: germline.
Comment: This variant is classified as likely benign based on ACMG/AMP sequence variant interpretation guidelines (Richards et al. 2015 PMID: 25741868, with internal and published modifications).

NM_144596.4(TTC8):c.115-5T>G

Gene: TTC8 (tetratricopeptide repeat domain 8; plus strand). Cytogenetic location: 14q31.3.
Variant type: single nucleotide variant.
Coding change: c.115-5T>G on transcript NM_144596.4 (MANE Select); 5 bases into the intron before coding-DNA position 115, T replaced by G.
Molecular consequence: intron variant.
Genome position (GRCh38, 1-based): chr14:88,833,688, T>G. VCF-style: chr14-88833688-T-G. GRCh37 (hg19) VCF-style: chr14-89300032-T-G.
Other names: c.-448-5764T>G (NM_001288782.1); c.115-5764T>G (NM_001288781.1, NM_198309.3, NM_198310.3 and 2 more transcripts); c.-543-5764T>G (NM_001288783.1).
Identifiers: ClinVar variation 3031669 (VCV003031669.2), dbSNP rs1175951427, ClinGen allele CA615691250.